The following is an entry in ClinVar:

ClinVar aggregate classification (germline): Uncertain significance (3 of 4 stars; one submission).

Conditions:
Bernard Soulier syndrome (BSS). Also called: GLYCOPROTEIN Ib, PLATELET, DEFICIENCY OF; PLATELET GLYCOPROTEIN Ib DEFICIENCY; VON WILLEBRAND FACTOR RECEPTOR DEFICIENCY; Giant platelet syndrome; Hemorrhagiparous thrombocytic dystrophy; Giant platelet disease. Identifiers: Orphanet 274, MedGen C0005129, MeSH D001606, MONDO:0009276, OMIM 231200.

Submission:

ClinGen Platelet Disorders Variant Curation Expert Panel, ClinGen
Classification: Uncertain significance for Bernard Soulier syndrome. Last evaluated: 2025-02-11. Review status: reviewed by expert panel. Criteria: ClinGen Platelet ACMG Specifications GP1BA V1.0.0. Collection method: curation. Allele origin: germline. Inheritance: Autosomal recessive inheritance.
Comment: The NM_000173.7(GP1BA):c.1601_1602delinsTGG frameshift variant in exon 2, of 2, results in an a premature stop codon that is not predicted to trigger NMD, instead truncating 6% of the protein (PVS1_moderate). This variant is absent from gnomADv4.1 (PM2_supporting). One patient has been reported with this variant in a BSS cohort, however there was insufficient information on individual patients to meet PP4 (PMID: 24934643). In summary, this variant meets the criteria to be classified as variant of uncertain significance for autosomal recessive Bernard-Soulier syndrome based on the ACMG/AMP criteria applied, as specified by the ClinGen PD VCEP: PVS1_Moderate and PM2_supporting.

NM_000173.7(GP1BA):c.1601_1602delinsTGG (p.Tyr534fs)

Gene: GP1BA (glycoprotein Ib platelet subunit alpha; plus strand). Cytogenetic location: 17p13.2.
Variant type: Indel.
Coding change: c.1601_1602delinsTGG on transcript NM_000173.7 (MANE Select); coding-DNA positions 1601 to 1602, AT replaced by TGG.
Protein change: p.Tyr534fs; shifts the reading frame from tyrosine 534.
Molecular consequence: frameshift variant.
Genome position (GRCh38, 1-based): chr17:4,934,205-4,934,206, AT replaced by TGG. VCF-style: chr17-4934205-AT-TGG. GRCh37 (hg19) VCF-style: chr17-4837500-AT-TGG.
Other names: NM_000173.7:c.1601_1602delinsTGG; short protein forms Y534fs.
Identifiers: ClinVar variation 3775060 (VCV003775060.1).